The following is an entry in ClinVar:

NM_000552.5(VWF):c.3854C>T (p.Ser1285Phe)

Gene: VWF (von Willebrand factor; minus strand). Cytogenetic location: 12p13.31.
Variant type: single nucleotide variant.
Coding change: c.3854C>T on transcript NM_000552.5 (MANE Select); coding-DNA position 3854, C replaced by T.
Protein change: p.Ser1285Phe; replaces serine 1285 with phenylalanine.
Molecular consequence: missense variant.
Genome position (GRCh38, 1-based): chr12:6,019,564, G>A on the plus strand (C>T on the coding strand, the complement: VWF is on the minus strand). VCF-style: chr12-6019564-G-A. GRCh37 (hg19) VCF-style: chr12-6128730-G-A.
Other names: NM_000552.5(VWF):c.3854C>T; p.Ser1285Phe; short protein forms S1285F.
Identifiers: ClinVar variation 311 (VCV000000311.2), dbSNP rs61749380, ClinGen allele CA114164.
Genomic context (GRCh38, chr12:6,019,564, plus strand): 5'-TCCATCATGTCCACCACAAAGGCCTTCAGCACTTCAAACTCAGCCTCGGACAGCCTGGAG[G>A]AGCCATCCAGCAGGAAGACCAGGTCCAGTAGCCTGCTGCAGTAGAAATCGTGCAACGGCG-3'
Protein context (NP_000543.3, residues 1275-1295): LLDLVFLLDG[Ser1285Phe]SRLSEAEFEV

ClinVar aggregate classification (germline): Likely pathogenic. Review status: reviewed by expert panel (3 of 4 stars). 3 submissions from 3 submitters: Likely pathogenic (1). 2 of the submissions do not count toward it. Last evaluated 2024-12-03.

Conditions:
von Willebrand disease type 2M (VWD2M). Identifiers: Orphanet 166090, MedGen C1282974, MONDO:0015630.

Submissions (3):

ClinGen von Willebrand Disease Variant Curation Expert Panel, ClinGen
Classification: Likely pathogenic for von Willebrand disease type 2M. Last evaluated: 2024-12-03. Review status: reviewed by expert panel. Criteria: ClinGen VWD 2A B M Rules. Collection method: curation. Allele origin: germline. Inheritance: Autosomal dominant inheritance.
Comment: The NM_000552.5(VWF):c.3854C>T variant in VWF is a missense variant predicted to cause substitution of serine by phenylalanine at amino acid 1285. This variant is absent from gnomAD v4.1 (PM2_supporting). At least 1 patient with this variant displayed excessive mucocutaneous bleeding as well as laboratory phenotypes of a normal multimer pattern, low VWF:RCo/VWF:Ag ratio (<0.5), and markedly reduced ristocetin-induced VWF binding to GPIb, which together are highly specific for VWD type 2M. (PP4_moderate, PMID: 12588351). The computational predictor REVEL gives a score of 0.946, which is above the ClinGen VWD VCEP threshold of >0.644 and predicts a damaging effect on VWF function (PP3). The A1 domain from this variant exhibited complete loss of shear-flow-dependent platelet adhesion (PMID: 25185554, PS3).This variant is classified as Likely Pathogenic for von Willebrand disease type 2M based on the ACMG/AMP criteria applied as specified by the ClinGen von Willebrand disease Variant Curation Expert Panel: PM2_supporting, PP4_Moderate, PP3, PS3.

OMIM
Classification: Pathogenic for VON WILLEBRAND DISEASE, TYPE 2M. Last evaluated: 2003-02-01. Review status: no assertion criteria provided. Collection method: literature only. Allele origin: germline. Not counted in ClinVar's aggregate classification.

Academic Unit of Haematology, University of Sheffield
No classification provided. Review status: no classification provided. Collection method: not provided. Allele origin: not provided. Not counted in ClinVar's aggregate classification.

Literature cited by the submitters: PubMed 12588351 (cited by OMIM).